The following continues an entry in ClinVar:

NM_001048174.2(MUTYH):c.461G>A (p.Arg154His)

Gene: MUTYH. ClinVar aggregate classification (germline): Pathogenic. Pathogenic (18).

Submissions 9 to 19 of 19:

GeneDx
Classification: Pathogenic. Last evaluated: 2022-12-21. Review status: criteria provided, single submitter. Criteria: GeneDx Variant Classification Process June 2021. Collection method: clinical testing. Allele origin: germline. Affected: yes.
Comment: Published functional studies demonstrate a damaging effect: severely affected glycosylation and suppression of oxidative mutagenesis (Goto et al., 2010; Shinmura et al., 2012; Komine et al., 2015); Not observed at significant frequency in large population cohorts (gnomAD); In silico analysis supports that this missense variant has a deleterious effect on protein structure/function; This variant is associated with the following publications: (PMID: 20848659, 25820570, 17273161, 19032956, 23507534, 30604180, 23322991, 15366000, 14961129, 16890597, 16557584, 19394335, 20618354, 23605219, 21901162, 28452373, 27783336, 29478780, 31589614, 16207212, 35418818, 30291343, 26681312, 32283892, 34704405, 35264596, 28135145, 34758253)

MGZ Medical Genetics Center
Classification: Pathogenic for Familial adenomatous polyposis 2. Last evaluated: 2022-05-04. Review status: criteria provided, single submitter. Criteria: ACMG Guidelines, 2015. Collection method: clinical testing. Allele origin: germline. Affected: yes. Observed: 1 variant allele.
Comment: ACMG criteria applied: PM3_VSTR, PP1_STR, PS3_MOD, PS4_MOD, PM2_SUP, PP3

Fulgent Genetics
Classification: Pathogenic for Familial adenomatous polyposis 2; Gastric cancer. Last evaluated: 2022-02-24. Review status: criteria provided, single submitter. Criteria: ACMG Guidelines, 2015. Collection method: clinical testing. Allele origin: unknown.

Department of Pathology and Laboratory Medicine, Sinai Health System
Classification: Pathogenic for Familial colorectal cancer type X. Last evaluated: 2020-12-01. Review status: criteria provided, single submitter. Criteria: ACMG Guidelines, 2015. Collection method: clinical testing. Allele origin: germline. Affected: yes.

Quest Diagnostics Nichols Institute San Juan Capistrano
Classification: Pathogenic. Last evaluated: 2020-06-30. Review status: criteria provided, single submitter. Criteria: Quest Diagnostics criteria. Collection method: clinical testing. Allele origin: unknown.
Comment: The best available variant frequency is uninformative because it is below the disease allele frequency. Found in at least one patient with expected phenotype for this gene. Other pathogenic or likely pathogenic variants affect the same amino acid . In multiple individuals, this variant has been seen with a single recessive pathogenic variant in the same gene, suggesting this variant may also be pathogenic. Assessment of experimental evidence suggests this variant results in abnormal protein function.

Laboratory for Molecular Medicine, Mass General Brigham Personalized Medicine
Classification: Pathogenic for Familial adenomatous polyposis 2. Last evaluated: 2019-12-11. Review status: criteria provided, single submitter. Criteria: ACMG Guidelines, 2015. Collection method: clinical testing. Allele origin: germline. Inheritance: Autosomal recessive inheritance.
Comment: The p.Arg182His variant in MUTYH has been reported in 6 compound heterozygous individuals with MUTYH-associated attenuated familial adenomatous polyposis (FAP; Isidro 2004, Aretz 2006, Jones 2009, Morak 2010, Marabelli 2016), 2 compound heterozygous individuals with colorectal cancer (CRC; DiGregorio 2006, Morak 2010), 1 heterozygous individual with CRC (Morak 2010), and 2 heterozygous individuals with FAP and/or CRC with no second allele specified (Nielsen 2009, Susswein 2016). This variant has also been reported in ClinVar (Variation ID 182689). This variant has been identified in 0.003% (3/113758) European chromosomes by the Genome Aggregation Database (gnomAD). In vitro functional studies provide some evidence that the p.Arg182His variant may impact protein function (Goto 2010, Shinmura 2012). Computational prediction tools and conservation analysis suggest that the p.Arg182His variant may impact the protein. In summary, this variant meets criteria to be classified as pathogenic for MUTYH-associated FAP in an autosomal recessive manner. ACMG/AMP Criteria applied: PM3_VeryStrong, PM2, PP3, PS3_Supporting.

Revvity Omics, Revvity
Classification: Pathogenic for Familial adenomatous polyposis 2. Last evaluated: 2019-04-15. Review status: criteria provided, single submitter. Criteria: ACMG Guidelines, 2015. Collection method: clinical testing. Allele origin: germline.

Women's Health and Genetics/Laboratory Corporation of America, LabCorp
Classification: Pathogenic for MUTYH-associated polyposis. Last evaluated: 2019-01-29. Review status: criteria provided, single submitter. Criteria: LabCorp Variant Classification Summary - May 2015. Collection method: clinical testing. Allele origin: germline.
Comment: Variant summary: The variant, MUTYH c.545G>A (p.Arg182His) results in a non-conservative amino acid change located in the HhH-GPD domain of the encoded protein sequence. Five of five in-silico tools predict a damaging effect of the variant on protein function. The variant allele was found at a frequency of 8.1e-06 in 246268 control chromosomes (gnomAD). The variant, c.545G>A has been reported in the literature in multiple individuals affected with Attenuated familial adenomatous polyposis and colorectal cancer (Morak_2010, Komine_2015, AlDubayan_2018, Yugelun_2017). These data indicate that the variant is very likely to be associated with disease. At least one publication reports experimental evidence evaluating an impact on protein function. The most pronounced variant effect results in <10% of normal activity (Shinmura_2012). Five clinical diagnostic laboratories have submitted clinical-significance assessments for this variant to ClinVar after 2014 without evidence for independent evaluation and have classified the variant as pathogenic. Based on the evidence outlined above, the variant was classified as pathogenic.

Mendelics
Classification: Pathogenic for MYH-associated polyposis. Last evaluated: 2018-07-02. Review status: criteria provided, single submitter. Criteria: Mendelics Assertion Criteria 2017. Collection method: clinical testing. Allele origin: unknown.

ARUP Laboratories, Molecular Genetics and Genomics, ARUP Laboratories
Classification: Pathogenic. Last evaluated: 2016-11-02. Review status: criteria provided, single submitter. Criteria: ARUP Molecular Germline Variant Investigation Process. Collection method: clinical testing. Allele origin: germline.

Genomics England Pilot Project, Genomics England
Classification: Pathogenic for Familial adenomatous polyposis 2. Review status: no assertion criteria provided. Criteria: ACGS Guidelines, 2016. Collection method: clinical testing. Allele origin: germline. Affected: yes. Not counted in ClinVar's aggregate classification.

Literature cited by the submitters: PubMed 15366000 (cited by 7 submitters); PubMed 16557584 (cited by 6 submitters); PubMed 19032956 (cited by 3 submitters); PubMed 19394335 (cited by 6 submitters); PubMed 20618354 (cited by 6 submitters); PubMed 20848659 (cited by 7 submitters); PubMed 23322991 (cited by 7 submitters); PubMed 16207212 (cited by Ambry Genetics); PubMed 16890597 (cited by Ambry Genetics and Laboratory for Molecular Medicine, Mass General Brigham Personalized Medicine); PubMed 23605219 (cited by Ambry Genetics); PubMed 25820570 (cited by 6 submitters); PubMed 28135145 (cited by 3 submitters); PubMed 29478780 (cited by 5 submitters); PubMed 34704405 (cited by All of Us Research Program, National Institutes of Health and Color Diagnostics, LLC DBA Color Health); PubMed 26681312 (cited by Quest Diagnostics Nichols Institute San Juan Capistrano and Laboratory for Molecular Medicine, Mass General Brigham Personalized Medicine); PubMed 27705013 (cited by Laboratory for Molecular Medicine, Mass General Brigham Personalized Medicine).